The following is an entry in ClinVar:

NM_014270.5(SLC7A9):c.614dup (p.Asn206fs)

Gene: SLC7A9 (solute carrier family 7 member 9; minus strand). Cytogenetic location: 19q13.11.
Variant type: Duplication.
Coding change: c.614dup on transcript NM_014270.5 (MANE Select); coding-DNA position 614, one base duplicated (A; older notation c.614dupA).
Protein change: p.Asn206fs; shifts the reading frame from asparagine 206.
Molecular consequence: frameshift variant.
Genome position (GRCh38, 1-based): chr19:32,862,208, T duplicated on the plus strand (A on the coding strand, the reverse complement: SLC7A9 is on the minus strand); the first of 3 consecutive T bases (chr19:32,862,208-32,862,210); duplicating any one gives the same sequence. VCF-style (leftmost placement, unchanged base first): chr19-32862207-C-CT. GRCh37 (hg19) VCF-style: chr19-33353113-C-CT.
Other names: p.Asn206GlufsX3; c.614dup, p.Asn206fs (NM_001126335.2, NM_001243036.2); c.614dupA (NM_014270.5); short protein forms N206fs.
Identifiers: ClinVar variation 288197 (VCV000288197.45), dbSNP rs745319034, ClinGen allele CA9358740.

ClinVar aggregate classification (germline): Pathogenic. Review status: criteria provided, multiple submitters, no conflicts (2 of 4 stars). 13 submissions from 13 submitters: Pathogenic (12). 1 of the submissions does not count toward it. Last evaluated 2026-10-14.

Conditions:
Cystinuria (CSNU). Also called: CYSTINURIA, TYPE I; CYSTINURIA, TYPE II; CYSTINURIA, TYPE III; Cystinuria, non-type I. Identifiers: Orphanet 214, MedGen C0010691, MONDO:0009067, OMIM 220100, HP:0003131.
SLC7A9-related disorder. Also called: SLC7A9-related condition.

Submissions (13):

GeneDx
Classification: Pathogenic. Last evaluated: 2026-10-14. Review status: criteria provided, single submitter. Criteria: GeneDx Variant Classification Process June 2021. Collection method: clinical testing. Allele origin: germline.
Comment: Observed in multiple unrelated patients from different ethnic backgrounds with type II and type III cystinuria or with cystinuria and nephrolithiasis in published literature (PMID: 25296721, 12371955); Frameshift variant predicted to result in protein truncation or nonsense mediated decay in a gene for which loss of function is a known mechanism of disease; This variant is associated with the following publications: (PMID: 12371955, 26990548, 25296721, 30609409, 29431110, 41766659, 37279760, 28717662, 39096151, 40794449)

Victorian Clinical Genetics Services, Murdoch Childrens Research Institute
Classification: Pathogenic for Cystinuria. Last evaluated: 2026-06-25. Review status: criteria provided, single submitter. Criteria: ACMG Guidelines, 2015. Collection method: clinical testing. Allele origin: germline. Affected: yes.
Comment: This variant is classified as Pathogenic. Evidence in support of pathogenic classification: Variant is predicted to cause nonsense-mediated decay (NMD) and loss of protein (premature termination codon is located at least 54 nucleotides upstream of the final exon-exon junction); Variant is present in gnomAD <0.01 (v4: 831 heterozygotes, 0 homozygotes); This variant has strong previous evidence of pathogenicity in unrelated individuals. This variant has been classified as pathogenic by clinical laboratories (ClinVar), and has been reported in the literature as heterozygous, compound heterozygous and homozygous in multiple unrelated individuals with cystinuria (PMID: 12379955; 25964309; 28646536); Other NMD-predicted variants comparable to the one identified in this case have very strong previous evidence for pathogenicity (DECIPHER). Additional information: This variant is heterozygous; This gene is associated with both recessive and dominant disease. Some heterozygous variants have been reported to present with a milder phenotype (OMIM, PMID: 11157794); Loss of function is a known mechanism of disease in this gene and is associated with cystinuria (MIM#220100); The condition associated with this gene has incomplete penetrance. Autosomal dominant cystinuria has been reported to have incomplete penetrance (PMID: 25964309); Heterozygous variant detected in trans with a second LIKELY PATHOGENIC heterozygous variant (NM_014270.5(SLC7A9):c.284G>A; p.(Gly95Glu)) in a recessive disease.

PreventionGenetics, part of Exact Sciences
Classification: Pathogenic for SLC7A9-related condition. Last evaluated: 2026-04-21. Review status: criteria provided, single submitter. Criteria: ACMG Guidelines, 2015. Collection method: clinical testing. Allele origin: germline.
Comment: The SLC7A9 c.614dupA variant is predicted to result in a frameshift and premature protein termination (p.Asn206Glufs*3). This common pathogenic SLC7A9 variant in the heterozygous state has been reported to cause moderate or severe cystinuria in different families, suggesting an autosomal dominant mode of inheritance (reported as 799insA at Leclerc et al. 2002. PubMed ID: 12371955). This variant has also been reported in the homozygous or compound heterozygous state in many unrelated individuals to cause cystinuria (see for example: Rhodes et al. 2015. PubMed ID: 25964309). Frameshift variants in SLC7A9 are expected to be pathogenic. This variant is interpreted as pathogenic.

Labcorp Genetics (formerly Invitae), Labcorp
Classification: Pathogenic. Last evaluated: 2025-12-06. Review status: criteria provided, single submitter. Criteria: Invitae Variant Classification Sherloc (09022015). Collection method: clinical testing. Allele origin: germline.
Comment: This sequence change creates a premature translational stop signal (p.Asn206Glufs*3) in the SLC7A9 gene. It is expected to result in an absent or disrupted protein product. Loss-of-function variants in SLC7A9 are known to be pathogenic (PMID: 11157794, 16838140, 25296721). This variant is present in population databases (rs745319034, gnomAD 0.02%). This premature translational stop signal has been observed in individual(s) with cystinuria in the heterozygous state (PMID: 12371955, 15635077, 16834950, 19782624, 21255007, 25109415, 25296721, 25964309). It has also been observed to segregate with disease in related individuals. This variant is also known as 799insA and c.800-801insA. ClinVar contains an entry for this variant (Variation ID: 288197). For these reasons, this variant has been classified as Pathogenic.

Rare Kidney Stone Consortium and the Mayo Clinic Hyperoxaluria Center, Mayo Clinic
Classification: Pathogenic for Cystinuria. Last evaluated: 2025-10-03. Review status: criteria provided, single submitter. Criteria: ACMG Guidelines, 2015. Collection method: research. Allele origin: germline. Affected: yes. Observed: 3 variant alleles.
Comment: ACMG:PVS1, PM2, PM3, PP5

Institute of Human Genetics, University of Leipzig Medical Center
Classification: Pathogenic for Cystinuria. Last evaluated: 2025-03-04. Review status: criteria provided, single submitter. Criteria: ACMG Guidelines, 2015. Collection method: clinical testing. Allele origin: unknown. Inheritance: Autosomal dominant inheritance. Affected: yes.
Comment: Criteria applied: PVS1,PS4_SUP,PM2_SUP

Blueprint Genetics
Classification: Pathogenic for SLC7A9-related disorders. Last evaluated: 2024-10-03. Review status: criteria provided, single submitter. Criteria: ACMG Guidelines, 2015. Collection method: clinical testing. Allele origin: germline. Affected: yes. Observed: 5 variant alleles.

Revvity Omics, Revvity
Classification: Pathogenic for Cystinuria. Last evaluated: 2023-11-16. Review status: criteria provided, single submitter. Criteria: ACMG Guidelines, 2015. Collection method: clinical testing. Allele origin: germline.

Fulgent Genetics
Classification: Pathogenic for Cystinuria. Last evaluated: 2021-06-30. Review status: criteria provided, single submitter. Criteria: ACMG Guidelines, 2015. Collection method: clinical testing. Allele origin: unknown.
Comment: This variant has been detected in individual(s) who were sent for testing of Renasight - kidney gene panel.

Laboratory for Molecular Medicine, Mass General Brigham Personalized Medicine
Classification: Pathogenic for Cystinuria. Last evaluated: 2017-09-15. Review status: criteria provided, single submitter. Criteria: LMM Criteria. Collection method: clinical testing. Allele origin: germline. Inheritance: Autosomal dominant inheritance. Observed: 2 variant alleles.
Comment: The p.Asn206GlufsX3 (NM_014270.4 c.614dupA) variant in SLC7A9 (also referred to as c.799insA or c.800?801insA in the literature) has been reported in at least 2 5 heterozygotes, 2 homozygotes, and 2 compound heterozygotes with cystinuria (Le clerc 2002, Font-Llitjos 2005, Barbosa 2012, Rhodes 2015, and Halbritter 2015). Twenty one heterozygotes were noted to have non-type I cystinuria (heterozygotes with moderate to high excretion of cystine in urine and risk of forming urinary tract stones) (Font-Llitjos 2005, Barbosa 2012, Halbritter 2015). This variant has also been reported in ClinVar (Variation ID#288197), as pathogenic by two la boratories. It has been identified in 0.024% (30/126,648) of European chromosom es by the Genome Aggregation Database (gnomAD; dbSNP rs745319034). This variant is predicted to cause a frameshift, which alte rs the protein?s amino acid sequence beginning at position 206 and leads to a pr emature termination codon 3 amino acids downstream. This alteration is then pred icted to lead to a truncated or absent protein. Loss of function of the SLC7A9 g ene is an established disease mechanism in cystinuria. Variants associated with non-type I cystinuria, such as this variant, are inherited in an autosomal domin ant manner with incomplete penetrance and cause more severe disease in the homoz ygous or compound heterozygous state. In summary, although additional studies a re required to fully establish its clinical significance, the p.Asn206GlufsX3 va riant is pathogenic for cystinuria in an autosomal dominant manner with incompl ete penetrance based on its occurrence in affected individuals and a predicted n ull effect.

Illumina Laboratory Services, Illumina
Classification: Pathogenic for Cystinuria. Last evaluated: 2017-04-28. Review status: criteria provided, single submitter. Criteria: ICSL Variant Classification Criteria 09 May 2019. Collection method: clinical testing. Allele origin: germline.
Comment: The SLC7A9 c.614dupA (p.Asn206GlufsTer3) variant, also referred to as c.799insA, has been reported in five studies in a total of 33 individuals with cystinuria, including three homozygotes, eight compound heterozygotes, and 22 heterozygotes with varying disease types (Leclerc et al. 2002; Font-Llitjos et al. 2005; Barbosa et al. 2012; Rhodes et al. 2015; Halbritter et al. 2015). Control data are unavailable for this variant, which is reported at a frequency of 0.00017 in the European (non-Finnish) population of the Exome Aggregation Consortium. The p.Asn206GlufsTer3 variant results in a frameshift, and is predicted to truncate the protein. While cystinuria generally displays an autosomal recessive mode of inheritance, some heterozygous carriers of variants in the SLC7A9 gene have abnormal urinary amino acid patterns and an increased risk of kidney stones (Eggermann et al. 2012). Based on the evidence and due to the potential impact of frameshift variants, the p.Asn206GlufsTer3 variant is classified as pathogenic for cystinuria. This variant was observed by ICSL as part of a predisposition screen in an ostensibly healthy population.

Eurofins Ntd Llc (ga)
Classification: Pathogenic. Last evaluated: 2016-06-01. Review status: criteria provided, single submitter. Criteria: EGL Classification Definitions. Collection method: clinical testing. Allele origin: germline. Observed: 1 variant allele, 1 heterozygote.

OMIM
Classification: Pathogenic for CYSTINURIA. Last evaluated: 2002-11-01. Review status: no assertion criteria provided. Collection method: literature only. Allele origin: germline. Not counted in ClinVar's aggregate classification.

Literature cited by the submitters: PubMed 12379955 (cited by Victorian Clinical Genetics Services, Murdoch Childrens Research Institute); PubMed 25964309 (cited by 4 submitters); PubMed 11157794 (cited by Victorian Clinical Genetics Services, Murdoch Childrens Research Institute and Labcorp Genetics (formerly Invitae), Labcorp); PubMed 16838140 (cited by Labcorp Genetics (formerly Invitae), Labcorp); PubMed 25296721 (cited by 4 submitters); PubMed 12371955 (cited by 5 submitters); PubMed 15635077 (cited by 3 submitters); PubMed 16834950 (cited by Labcorp Genetics (formerly Invitae), Labcorp); PubMed 19782624 (cited by Labcorp Genetics (formerly Invitae), Labcorp); PubMed 21255007 (cited by 3 submitters); PubMed 25109415 (cited by Labcorp Genetics (formerly Invitae), Labcorp); PubMed 26990548 (cited by Rare Kidney Stone Consortium and the Mayo Clinic Hyperoxaluria Center, Mayo Clinic); PubMed 28717662 (cited by Rare Kidney Stone Consortium and the Mayo Clinic Hyperoxaluria Center, Mayo Clinic); PubMed 29431110 (cited by Rare Kidney Stone Consortium and the Mayo Clinic Hyperoxaluria Center, Mayo Clinic); PubMed 30609409 (cited by Rare Kidney Stone Consortium and the Mayo Clinic Hyperoxaluria Center, Mayo Clinic); PubMed 37279760 (cited by Rare Kidney Stone Consortium and the Mayo Clinic Hyperoxaluria Center, Mayo Clinic); PubMed 39096151 (cited by Rare Kidney Stone Consortium and the Mayo Clinic Hyperoxaluria Center, Mayo Clinic); PubMed 40794449 (cited by Rare Kidney Stone Consortium and the Mayo Clinic Hyperoxaluria Center, Mayo Clinic).